The following is an entry in ClinVar:

NM_001004059.3(OR4S2):c.538C>T (p.His180Tyr)

Gene: OR4S2 (olfactory receptor family 4 subfamily S member 2; plus strand). Cytogenetic location: 11q11.
Variant type: single nucleotide variant.
Coding change: c.538C>T on transcript NM_001004059.3 (MANE Select); coding-DNA position 538, C replaced by T.
Protein change: p.His180Tyr; replaces histidine 180 with tyrosine.
Molecular consequence: missense variant.
Genome position (GRCh38, 1-based): chr11:55,651,441, C>T. VCF-style: chr11-55651441-C-T. GRCh37 (hg19) VCF-style: chr11-55418917-C-T.
Other names: short protein forms H180Y.
Identifiers: ClinVar variation 4562200 (VCV004562200.1).

ClinVar aggregate classification (germline): Uncertain significance (1 of 4 stars; one submission).

gnomAD v4.1: 20 of 1,490,468 alleles (0.0013%); highest among the groups gnomAD compares: South Asian, 0.022%; 3 homozygotes.

Submission:

Ambry Genetics
Classification: Uncertain significance. Last evaluated: 2025-11-26. Review status: criteria provided, single submitter. Criteria: Ambry Variant Classification Scheme 2023. Collection method: clinical testing. Allele origin: germline.
Comment: The c.538C>T (p.H180Y) alteration is located in exon 1 (coding exon 1) of the OR4S2 gene. This alteration results from a C to T substitution at nucleotide position 538, causing the histidine (H) at amino acid position 180 to be replaced by a tyrosine (Y). Based on data from gnomAD, the T allele has an overall frequency of 0.004% (8/228934) total alleles studied. The highest observed frequency was 0.028% (8/28648) of South Asian alleles. Based on insufficient or conflicting evidence, the clinical significance of this alteration remains unclear.